The following is an entry in ClinVar:

ClinVar aggregate classification (germline): Uncertain significance (1 of 4 stars; one submission).

Submission:

Labcorp Genetics (formerly Invitae), Labcorp
Classification: Uncertain significance. Last evaluated: 2021-12-19. Review status: criteria provided, single submitter. Criteria: Invitae Variant Classification Sherloc (09022015). Collection method: clinical testing. Allele origin: germline.
Comment: This sequence change replaces glycine, which is neutral and non-polar, with glutamic acid, which is acidic and polar, at codon 474 of the RNF31 protein (p.Gly474Glu). This variant is not present in population databases (gnomAD no frequency). This variant has not been reported in the literature in individuals affected with RNF31-related conditions. Algorithms developed to predict the effect of missense changes on protein structure and function (SIFT, PolyPhen-2, Align-GVGD) all suggest that this variant is likely to be tolerated. In summary, the available evidence is currently insufficient to determine the role of this variant in disease. Therefore, it has been classified as a Variant of Uncertain Significance.

NM_017999.5(RNF31):c.1421G>A (p.Gly474Glu)

Gene: RNF31 (ring finger protein 31; plus strand). Cytogenetic location: 14q12.
Variant type: single nucleotide variant.
Coding change: c.1421G>A on transcript NM_017999.5 (MANE Select); coding-DNA position 1421, G replaced by A.
Protein change: p.Gly474Glu; replaces glycine 474 with glutamic acid.
Molecular consequence: missense variant.
Genome position (GRCh38, 1-based): chr14:24,150,821, G>A. VCF-style: chr14-24150821-G-A. GRCh37 (hg19) VCF-style: chr14-24620030-G-A.
Other names: c.968G>A, p.Gly323Glu (NM_001310332.2); short protein forms G323E, G474E.
Identifiers: ClinVar variation 2048771 (VCV002048771.4), dbSNP rs2502001031, ClinGen allele CA389295712.
Genomic context (GRCh38, chr14:24,150,821, plus strand): 5'-AGGGACCCCCCAAGCCTGGGCCCCCACGACGCCTTAGTGCCCCCCTGCCCAGTTCCTGTG[G>A]AGATCCTGAGAAGCAGCGCCAAGACAAGATGCGGGAAGAAGGCCTCCAGCTAGTGAGCAT-3'
Protein context (NP_060469.4, residues 464-484): RLSAPLPSSC[Gly474Glu]DPEKQRQDKM